The following is an entry in ClinVar:

ClinVar aggregate classification (germline): Pathogenic/Likely pathogenic. Review status: criteria provided, multiple submitters, no conflicts (2 of 4 stars). 11 submissions from 11 submitters: Pathogenic (9); Likely pathogenic (1). 1 of the submissions does not count toward it. Last evaluated 2026-01-26.

Conditions:
SDHB-related disorder. Also called: SDHB-related condition; SDHB-related disorders. Identifiers: MedGen CN239418.
Hereditary cancer-predisposing syndrome. Also called: Tumor predisposition; Neoplastic Syndromes, Hereditary; Hereditary neoplastic syndrome; Hereditary Cancer Syndrome. Identifiers: Orphanet 140162, MedGen C0027672, MeSH D009386, MONDO:0015356.
Gastrointestinal stromal tumor. Also called: Gastrointestinal stroma tumor; Gastrointestinal stromal tumor, somatic. Identifiers: Orphanet 44890, MedGen C0238198, MeSH D046152, MONDO:0011719, OMIM 606764, HP:0100723.
Pheochromocytoma. Also called: MAX-Related Hereditary Paraganglioma-Pheochromocytoma Syndrome. Identifiers: Orphanet 29072, MedGen C0031511, MONDO:0008233, OMIM 171300, HP:0002666.
Pheochromocytoma/paraganglioma syndrome 4. Also called: PARAGANGLIOMA, FAMILIAL MALIGNANT; PARAGANGLIOMAS, HEREDITARY EXTRAADRENAL; PHEOCHROMOCYTOMA, FAMILIAL EXTRAADRENAL; CAROTID BODY TUMORS AND MULTIPLE EXTRAADRENAL PHEOCHROMOCYTOMAS; SDHB-Related Hereditary Paraganglioma-Pheochromocytoma Syndrome (Paragangliomas 4); SDHB-Related Hereditary Paraganglioma-Pheochromocytoma Syndrome. Identifiers: Orphanet 29072, MedGen C1861848, MONDO:0007273, OMIM 115310.
Hereditary pheochromocytoma and paraganglioma. Also called: Hereditary Paraganglioma-Pheochromocytoma Syndromes; Hereditary paragangliomas and pheochromocytomas; Hereditary pheochromocytoma-paraganglioma. Identifiers: Orphanet 29072, MedGen C4274332, MONDO:0017366.

Allele frequency attached by ClinVar (database versions not stated): gnomAD 0.00001; gnomAD exomes 0.00001 and below 0.00001; 1000 Genomes Project 30x 0.00016; 1000 Genomes Project 0.00020; TOPMed below 0.00001; ExAC 0.00001.

Submissions 1 to 8 of 11:

Labcorp Genetics (formerly Invitae), Labcorp
Classification: Pathogenic for Gastrointestinal stromal tumor; Pheochromocytoma/paraganglioma syndrome 4; Pheochromocytoma. Last evaluated: 2026-01-26. Review status: criteria provided, single submitter. Criteria: Invitae Variant Classification Sherloc (09022015). Collection method: clinical testing. Allele origin: germline.
Comment: This sequence change replaces arginine, which is basic and polar, with cysteine, which is neutral and slightly polar, at codon 230 of the SDHB protein (p.Arg230Cys). This variant is present in population databases (rs138996609, gnomAD 0.0009%). This missense change has been observed in individuals with malignant or non-malignant pheochromocytoma or paraganglioma (PMID: 14500403, 17652212, 19454582, 20208144, 22517554, 25873086). ClinVar contains an entry for this variant (Variation ID: 185077). Invitae Evidence Modeling of protein sequence and biophysical properties (such as structural, functional, and spatial information, amino acid conservation, physicochemical variation, residue mobility, and thermodynamic stability) indicates that this missense variant is expected to disrupt SDHB protein function with a positive predictive value of 80%. Experimental studies have shown that this missense change affects SDHB function (PMID: 22835832). This variant disrupts the p.Arg230 amino acid residue in SDHB. Other variant(s) that disrupt this residue have been determined to be pathogenic (PMID: 18382370, 19351833, 23934599; internal data). This suggests that this residue is clinically significant, and that variants that disrupt this residue are likely to be disease-causing. For these reasons, this variant has been classified as Pathogenic.

Women's Health and Genetics/Laboratory Corporation of America, LabCorp
Classification: Pathogenic for Hereditary pheochromocytoma and paraganglioma. Last evaluated: 2025-11-28. Review status: criteria provided, single submitter. Criteria: LabCorp Variant Classification Summary - May 2015. Collection method: clinical testing. Allele origin: germline.
Comment: Variant summary: SDHB c.688C>T (p.Arg230Cys) results in a non-conservative amino acid change in the encoded protein sequence. Algorithms developed to predict the effect of missense changes on protein structure and function all suggest that this variant is likely to be disruptive. The variant allele was found at a frequency of 8e-06 in 251398 control chromosomes. c.688C>T has been observed in individual(s) affected with Hereditary Paraganglioma-Pheochromocytoma Syndrome (e.g. Gimenez-Roqueplo_2003, Amar_2007, Burnichon_2009, Hermsen_2010). These data indicate that the variant is likely to be associated with disease. A different variant affecting the same codon has been classified as likely pathogenic/pathogenic by our lab (c.689G>A, p.Arg230His), supporting the critical relevance of codon 230 to SDHB protein function. At least one publication reports experimental evidence evaluating an impact on protein function, however, does not allow convincing conclusions about the variant effect (Yang_2012). The following publications have been ascertained in the context of this evaluation (PMID: 17652212, 19454582, 14500403, 20208144, 22835832). ClinVar contains an entry for this variant (Variation ID: 185077). Based on the evidence outlined above, the variant was classified as pathogenic.

All of Us Research Program, National Institutes of Health
Classification: Pathogenic for Hereditary pheochromocytoma and paraganglioma. Last evaluated: 2023-08-08. Review status: criteria provided, single submitter. Criteria: ACMG Guidelines, 2015. Collection method: clinical testing. Allele origin: germline. Inheritance: Autosomal dominant inheritance. Observed: 1 variant allele, 1 heterozygote.
Comment: This missense variant replaces arginine with cysteine at codon 230 of the SDHB protein. Computational prediction suggests that this variant may have deleterious impact on protein structure and function (internally defined REVEL score threshold >= 0.7, PMID: 27666373). Functional studies have shown that this variant may impact protein stability and increase SDHB ubiquitination (PMID: 14500403, 22835832, 35673401). This variant has been reported in individuals affected with pheochromocytomas, paragangliomas, and gastrointestinal stromal tumors (PMID: 16103922, 17652212, 19351833, 19454582, 20208144, 22517554, 25873086, 29386252, 30536464, 34906457, 33420946, 35673401, 35904169). Other amino acid changes at this codon are considered disease causing (R230L, R230H, R230G; ClinVar Variant IDs: 184933, 142637, 1755980). This variant has been identified in 2/251398 chromosomes in the general population by the Genome Aggregation Database (gnomAD). Based on the available evidence, this variant is classified as Pathogenic.

This study involves interpretation of variants in research participants for the purpose of population health screening. Participant phenotype was not available at the time of variant classification. Additional details can be found in publication PMID: 35346344, PMCID: PMC8962531

Blueprint Genetics
Classification: Pathogenic for SDHB-related disorders. Last evaluated: 2023-02-10. Review status: criteria provided, single submitter. Criteria: ACMG Guidelines, 2015. Collection method: clinical testing. Allele origin: germline. Affected: yes. Observed: 1 variant allele.

Myriad Genetics, Inc.
Classification: Likely pathogenic for Pheochromocytoma/paraganglioma syndrome 4. Last evaluated: 2023-02-08. Review status: criteria provided, single submitter. Criteria: Myriad Autosomal Dominant, Autosomal Recessive and X-Linked Classification Criteria (2023). Collection method: clinical testing. Allele origin: unknown.
Comment: This variant is considered likely pathogenic. This variant has been reported in multiple individuals with clinical features of gene-specific disease [PMID: 14500403, 33362715, 28374168, 34906457]. This variant is expected to disrupt protein structure [Myriad internal data].

Ambry Genetics
Classification: Pathogenic for Hereditary cancer-predisposing syndrome. Last evaluated: 2022-11-22. Review status: criteria provided, single submitter. Criteria: Ambry Variant Classification Scheme 2023. Collection method: clinical testing. Allele origin: germline.
Comment: The p.R230C pathogenic mutation (also known as c.688C>T), located in coding exon 7 of the SDHB gene, results from a C to T substitution at nucleotide position 688. The arginine at codon 230 is replaced by cysteine, an amino acid with highly dissimilar properties. This pathogenic variant has been reported in numerous individuals diagnosed with pheochromocytomas and/or paragangliomas (Gimenez-Roqueplo AP et al. Cancer Res. 2003 Sep 1;63(17):5615-21; Dahia PL et al. PLoS Genet. 2005 Jul;1(1):72-80; Neumann HP et al. Cancer Res. 2009 Apr 15;69(8):3650-6; Sevilla MA et al. Otolaryngol Head Neck Surg. 2009 May;140(5):724-9; Burnichon N et al. J Clin Endocrinol Metab. 2009 Aug;94(8):2817-27; Yang C et al. FASEB J. 2012 Nov;26(11):4506-16; Andrews KA et al. J. Med. Genet. 2018 Jun;55:384-394). Additionally, two disease-causing variants, p.R230H and p.R230L, have been described in the same codon. This amino acid position is highly conserved in available vertebrate species. In addition, this alteration is predicted to be deleterious by in silico analysis. Based on the supporting evidence, this alteration is interpreted as a disease-causing mutation.

Centre for Mendelian Genomics, University Medical Centre Ljubljana
Classification: Pathogenic for Pheochromocytoma/paraganglioma syndrome 4. Last evaluated: 2020-01-06. Review status: criteria provided, single submitter. Criteria: ACMG Guidelines, 2015. Collection method: clinical testing. Allele origin: unknown. Affected: yes.
Comment: This variant was classified as: Pathogenic. The following ACMG criteria were applied in classifying this variant: PS1,PS3,PP3.

Human Genome Sequencing Center Clinical Lab, Baylor College of Medicine
Classification: Pathogenic for Pheochromocytoma/paraganglioma syndrome 4. Last evaluated: 2018-01-14. Review status: criteria provided, single submitter. Criteria: ACMG Guidelines, 2015. Collection method: clinical testing. Allele origin: germline.
Comment: The c.688C>T (p.Arg230Cys) variant in the SDHB gene has been reported in several unrelated individuals with pheochromocytoma or paraganglioma (PMID: 14500403, 24939699, 20208144, and 28374168). Functional assays have demonstrated that this missense change results in an unstable protein, and in the tumor of an individual with this variant complete and selective loss of mitochondrial complex II enzyme activity was observed (PMID: 22835832, 14500403). Additionally, two other pathogenic/likely pathogenic missense substitutions at this codon have been reported (PMID: 22835832, 23934599, 18382370, and 19351833,) suggesting that the Arg230 residue is critical for normal functioning of the SDHB protein. In light of the currently available data this variant in the SDHB gene is classified pathogenic.

NM_003000.3(SDHB):c.688C>T (p.Arg230Cys)

Gene: SDHB (succinate dehydrogenase complex iron sulfur subunit B; minus strand). Cytogenetic location: 1p36.13.
Variant type: single nucleotide variant.
Coding change: c.688C>T on transcript NM_003000.3 (MANE Select); coding-DNA position 688, C replaced by T.
Protein change: p.Arg230Cys; replaces arginine 230 with cysteine.
Molecular consequence: missense variant.
Genome position (GRCh38, 1-based): chr1:17,022,685, G>A on the plus strand (C>T on the coding strand, the complement: SDHB is on the minus strand). VCF-style: chr1-17022685-G-A. GRCh37 (hg19) VCF-style: chr1-17349180-G-A.
Other names: short protein forms R230C.
Identifiers: ClinVar variation 185077 (VCV000185077.22), dbSNP rs138996609, ClinGen allele CA016074.